The following is an entry in ClinVar:

ClinVar aggregate classification (germline): Uncertain significance (1 of 4 stars; one submission).

gnomAD v4.1: 1 of 1,612,778 alleles (0.000062%); highest among the groups gnomAD compares: African/African-American, 0.0013%; no homozygotes.

Submission:

GeneDx
Classification: Uncertain significance. Last evaluated: 2025-01-17. Review status: criteria provided, single submitter. Criteria: GeneDx Variant Classification Process June 2021. Collection method: clinical testing. Allele origin: germline. Affected: yes.
Comment: Not observed at significant frequency in large population cohorts (gnomAD); Missense variants in this gene are a common cause of disease and they are underrepresented in the general population; In silico analysis supports that this missense variant has a deleterious effect on protein structure/function; Has not been previously published as pathogenic or benign to our knowledge

NM_005633.4(SOS1):c.334C>G (p.Pro112Ala)

Gene: SOS1 (SOS Ras/Rac guanine nucleotide exchange factor 1; minus strand). Cytogenetic location: 2p22.1.
Variant type: single nucleotide variant.
Coding change: c.334C>G on transcript NM_005633.4 (MANE Select); coding-DNA position 334, C replaced by G.
Protein change: p.Pro112Ala; replaces proline 112 with alanine.
Molecular consequence: missense variant.
Genome position (GRCh38, 1-based): chr2:39,058,684, G>C on the plus strand (C>G on the coding strand, the complement: SOS1 is on the minus strand). VCF-style: chr2-39058684-G-C. GRCh37 (hg19) VCF-style: chr2-39285825-G-C.
Other names: c.313C>G, p.Pro105Ala (NM_001382394.1); c.334C>G, p.Pro112Ala (NM_001382395.1); short protein forms P105A, P112A.
Identifiers: ClinVar variation 4070651 (VCV004070651.1).